The following is an entry in ClinVar:

ClinVar aggregate classification (germline): Uncertain significance. Review status: criteria provided, multiple submitters, no conflicts (2 of 4 stars). 4 submissions from 4 submitters: Uncertain significance (4). Last evaluated 2025-07-07.

Conditions:
Hereditary cancer-predisposing syndrome. Also called: Hereditary Cancer Syndrome; Neoplastic Syndromes, Hereditary; Hereditary neoplastic syndrome; Tumor predisposition. Identifiers: Orphanet 140162, MedGen C0027672, MeSH D009386, MONDO:0015356.
POLD1-related polyposis and colorectal cancer syndrome (CRCS10). Also called: COLORECTAL CANCER, SUSCEPTIBILITY TO, ON CHROMOSOME 19q; Colorectal cancer 10; Colorectal cancer, susceptibility to, 10. Identifiers: Orphanet 220460, MedGen C2675481, MONDO:0012953, OMIM 612591.
Immunodeficiency 120. Identifiers: MedGen C5935622, MONDO:0970994, OMIM 620836.
Mandibular hypoplasia-deafness-progeroid syndrome. Also called: Mandibular hypoplasia, deafness, progeroid features, and lipodystrophy syndrome. Identifiers: Orphanet 363649, MedGen C3715192, MONDO:0014157, OMIM 615381.

Allele frequency attached by ClinVar (database versions not stated): gnomAD 0.00001; TOPMed 0.00001.
gnomAD v4.1: 2 of 1,596,166 alleles (0.00013%); highest among the groups gnomAD compares: African/African-American, 0.0013%; no homozygotes.

Submissions (4):

Labcorp Genetics (formerly Invitae), Labcorp
Classification: Uncertain significance for POLD1-related polyposis and colorectal cancer syndrome. Last evaluated: 2025-07-07. Review status: criteria provided, single submitter. Criteria: Invitae Variant Classification Sherloc (09022015). Collection method: clinical testing. Allele origin: germline.
Comment: This sequence change replaces aspartic acid, which is acidic and polar, with asparagine, which is neutral and polar, at codon 316 of the POLD1 protein (p.Asp316Asn). This variant is not present in population databases (gnomAD no frequency). This missense change has been observed in individual(s) with colorectal adenomas and/or endometrial cancer (PMID: 33948826, 35128723, 36291559). ClinVar contains an entry for this variant (Variation ID: 246506). Invitae Evidence Modeling of protein sequence and biophysical properties (such as structural, functional, and spatial information, amino acid conservation, physicochemical variation, residue mobility, and thermodynamic stability) indicates that this missense variant is expected to disrupt POLD1 protein function with a positive predictive value of 80%. Experimental studies have shown that this missense change affects POLD1 function (PMID: 19282447). In summary, the available evidence is currently insufficient to determine the role of this variant in disease. Therefore, it has been classified as a Variant of Uncertain Significance.

Ambry Genetics
Classification: Uncertain significance for Hereditary cancer-predisposing syndrome. Last evaluated: 2025-06-05. Review status: criteria provided, single submitter. Criteria: Ambry Variant Classification Scheme 2023. Collection method: clinical testing. Allele origin: germline.
Comment: The p.D316N variant (also known as c.946G>A), located in coding exon 7 of the POLD1 gene, results from a G to A substitution at nucleotide position 946. The aspartic acid at codon 316 is replaced by asparagine, an amino acid with highly similar properties. In one study, the exonuclease activity of a POLD1 double mutant, p.D316N/D515A, was decreased by more than 95% compared to wild-type; however, this alteration was found to have lower lesion-bypass activity than wild-type, suggesting that the proofreading function is maintained. It is unclear whether the functional effects reported in this assay can be attributed to D316N or D515A, or if there is a synergistic effect (Fazlieva R et al. Nucleic Acids Res, 2009 May;37:2854-66). This alteration has been identified in an individual diagnosed with serrated polyps (Murphy A et al. J Gastroenterol Hepatol, 2022 May;37:861-869). This alteration was also identified in an individual diagnosed with multiple primary colorectal cancers and ureter cancer; however, was also identified to carry a pathogenic PMS2 alteration (Schamschula E et al. Biomolecules, 2022 Sep;12:). This amino acid position is well conserved in available vertebrate species. In addition, this alteration is predicted to be tolerated by in silico analysis. Since supporting evidence is limited at this time, the clinical significance of this alteration remains unclear.

Department of Pathology and Laboratory Medicine, Sinai Health System
Classification: Uncertain significance for POLD1-related polyposis and colorectal cancer syndrome; Mandibular hypoplasia-deafness-progeroid syndrome; Immunodeficiency 120. Last evaluated: 2024-04-29. Review status: criteria provided, single submitter. Criteria: ACMG Guidelines, 2015. Collection method: clinical testing. Allele origin: germline. Affected: yes.

GeneDx
Classification: Uncertain significance. Last evaluated: 2023-03-08. Review status: criteria provided, single submitter. Criteria: GeneDx Variant Classification Process June 2021. Collection method: clinical testing. Allele origin: germline. Affected: yes.
Comment: Not observed at significant frequency in large population cohorts (gnomAD); In silico analysis supports that this missense variant has a deleterious effect on protein structure/function; Published functional studies suggest a damaging effect: defective DNA mismatch repair (Murphy et al., 2006; Fazlieva et al., 2009); Identified in patients with colorectal or endometrial cancer, co-occurring with a PMS2 deletion in one family (Robinson et al., 2021; Palles et al., 2022; Schamschula et al., 2022); This variant is associated with the following publications: (PMID: 25228659, 33948826, 8987997, 1989882, 34875102, 20951805, 34594041, 19282447, 16699561, 36291559)

Literature cited by the submitters: PubMed 33948826 (cited by Labcorp Genetics (formerly Invitae), Labcorp); PubMed 35128723 (cited by 3 submitters); PubMed 36291559 (cited by 3 submitters); PubMed 19282447 (cited by 3 submitters); PubMed 25228659 (cited by Ambry Genetics).

NM_002691.4(POLD1):c.946G>A (p.Asp316Asn)

Gene: POLD1 (DNA polymerase delta 1, catalytic subunit; plus strand). Cytogenetic location: 19q13.33.
Variant type: single nucleotide variant.
Coding change: c.946G>A on transcript NM_002691.4 (MANE Select); coding-DNA position 946, G replaced by A.
Protein change: p.Asp316Asn; replaces aspartic acid 316 with asparagine.
Molecular consequence: missense variant. On other transcripts: non-coding transcript variant (1).
Genome position (GRCh38, 1-based): chr19:50,402,717, G>A. VCF-style: chr19-50402717-G-A. GRCh37 (hg19) VCF-style: chr19-50905974-G-A.
Other names: c.946G>A, p.Asp316Asn (NM_001256849.1, NM_001308632.1); short protein forms D316N.
Identifiers: ClinVar variation 246506 (VCV000246506.16), dbSNP rs746087148, ClinGen allele CA10584617.